The following is an entry in ClinVar:

ClinVar aggregate classification (germline): Uncertain significance (1 of 4 stars; one submission).

Allele frequency attached by ClinVar (database versions not stated): ExAC 0.00002.
gnomAD v4.1: 3 of 1,614,126 alleles (0.00019%); highest among the groups gnomAD compares: Non-Finnish European, 0.00025%; no homozygotes.

Submission:

Labcorp Genetics (formerly Invitae), Labcorp
Classification: Uncertain significance. Last evaluated: 2021-12-02. Review status: criteria provided, single submitter. Criteria: Invitae Variant Classification Sherloc (09022015). Collection method: clinical testing. Allele origin: germline.
Comment: This sequence change replaces serine, which is neutral and polar, with arginine, which is basic and polar, at codon 27 of the MOCS2B protein (p.Ser27Arg). This variant is present in population databases (rs756200686, gnomAD 0.002%). This variant has not been reported in the literature in individuals affected with MOCS2B-related conditions. Algorithms developed to predict the effect of missense changes on protein structure and function output the following: SIFT: "Tolerated"; PolyPhen-2: "Benign"; Align-GVGD: "Class C0". The arginine amino acid residue is found in multiple mammalian species, which suggests that this missense change does not adversely affect protein function. In summary, the available evidence is currently insufficient to determine the role of this variant in disease. Therefore, it has been classified as a Variant of Uncertain Significance.

NM_004531.5(MOCS2):c.81T>G (p.Ser27Arg)

Gene: MOCS2 (molybdenum cofactor synthesis 2; minus strand). Cytogenetic location: 5q11.2.
Variant type: single nucleotide variant.
Coding change: c.81T>G on transcript NM_004531.5 (MANE Select); coding-DNA position 81, T replaced by G.
Protein change: p.Ser27Arg; replaces serine 27 with arginine.
Molecular consequence: missense variant. On other transcripts: 3 prime UTR variant (1).
Genome position (GRCh38, 1-based): chr5:53,107,094, A>C on the plus strand (T>G on the coding strand, the complement: MOCS2 is on the minus strand). VCF-style: chr5-53107094-A-C. GRCh37 (hg19) VCF-style: chr5-52402924-A-C.
Other names: c.*1T>G (NM_176806.4); c.81T>G, p.Ser27Arg (NM_183418.1); short protein forms S27R.
Identifiers: ClinVar variation 2023743 (VCV002023743.1), dbSNP rs756200686, ClinGen allele CA3263748.